The following is an entry in ClinVar:

ClinVar aggregate classification (germline): Likely pathogenic. Review status: criteria provided, multiple submitters, no conflicts (2 of 4 stars). 3 submissions from 3 submitters: Likely pathogenic (2). 1 of the submissions does not count toward it. Last evaluated 2023-07-06.

Conditions:
Tuberous sclerosis syndrome (TSC). Also called: Tuberous Sclerosis Complex; Tuberous sclerosis. Identifiers: Orphanet 805, MedGen C0041341, MONDO:0001734.

Submissions (5):

Color Diagnostics, LLC DBA Color Health
Classification: Likely pathogenic for Tuberous sclerosis syndrome. Last evaluated: 2023-07-06. Review status: criteria provided, single submitter. Criteria: ACMG Guidelines, 2015. Collection method: clinical testing. Allele origin: germline.
Comment: This variant causes a G to C nucleotide substitution at the -1 position of intron 27 of the TSC2 gene. Splice site prediction tools predict that this variant may have a significant impact on RNA splicing. To our knowledge, RNA studies have not been reported for this variant. This variant has been reported in a individual affected with tuberous sclerosis complex (PMID: 15798777). This variant has not been identified in the general population by the Genome Aggregation Database (gnomAD). Loss of TSC2 function is a known mechanism of disease. Based on the available evidence, this variant is classified as Likely Pathogenic.

All of Us Research Program, National Institutes of Health
Classification: Likely pathogenic for Tuberous sclerosis syndrome. Last evaluated: 2023-05-31. Review status: criteria provided, single submitter. Criteria: ACMG Guidelines, 2015. Collection method: clinical testing. Allele origin: germline. Inheritance: Autosomal dominant inheritance. Observed: 1 variant allele, 1 heterozygote.
Comment: The c.3132-1G>C variant in the intron 27 of the TSC2 gene is predicted to affect mRNA splicing and result in an absent or disrupted protein product. This variant has been reported in one individual with angiomyolipoma (PMID: 27494029). Other variants disrupting the same splicing acceptor site, c.3132-1G>T and c.3132-1G>A, have been reported in individuals with TSC2-related conditions (PMID 15798777,16114042, 21520333). This variant has not been identified in the general population by the Genome Aggregation Database (gnomAD). Loss-of-function variants in TSC2 are known to be pathogenic (PMID: 10205261). Therefore, the c.3132-1G>C variant of TSC2 is classified as likely pathogenic.

This study involves interpretation of variants in research participants for the purpose of population health screening. Participant phenotype was not available at the time of variant classification. Additional details can be found in publication PMID: 35346344, PMCID: PMC8962531

Dr. Peter K. Rogan Lab, Western University
No classification provided (evidence only). Condition: Lung cancer. Review status: no classification provided. Collection method: in vitro. Allele origin: not applicable. Functional consequence: skipped exon, retained intron. Not counted in ClinVar's aggregate classification.

MutSpliceDB: a database of splice sites variants effects on splicing, NIH
No classification provided (evidence only). Review status: no classification provided. Collection method: in vivo. Allele origin: not applicable. Functional consequence: retained intron. Not counted in ClinVar's aggregate classification.

Tuberous sclerosis database (TSC2)
No classification provided. Condition: TSC. Review status: no classification provided. Criteria: Tuberous Sclerosis Database Assertion Criteria 2015. Collection method: curation. Allele origin: germline. Affected: yes. Not counted in ClinVar's aggregate classification.

Literature cited by the submitters: PubMed 15798777 (cited by Color Diagnostics, LLC DBA Color Health); PubMed 10205261 (cited by All of Us Research Program, National Institutes of Health); PubMed 27494029 (cited by All of Us Research Program, National Institutes of Health).

NM_000548.5(TSC2):c.3132-1G>C

Gene: TSC2 (TSC complex subunit 2; plus strand). Cytogenetic location: 16p13.3.
Variant type: single nucleotide variant.
Coding change: c.3132-1G>C on transcript NM_000548.5 (MANE Select); the canonical splice acceptor site of the intron before coding-DNA position 3132, G replaced by C.
Molecular consequence: splice acceptor variant.
Genome position (GRCh38, 1-based): chr16:2,079,275, G>C. VCF-style: chr16-2079275-G-C. GRCh37 (hg19) VCF-style: chr16-2129276-G-C.
Other names: c.1659-1G>C (NM_001406693.1, NM_001406690.1, NM_001406692.1 and 1 more transcripts); c.3093-1G>C (NM_001406667.1); c.3090-1G>C (NM_001406668.1); c.2532-1G>C (NM_001406680.1, NM_001406683.1, NM_001406682.1); c.2400-1G>C (NM_001406687.1, NM_001318831.2, NM_001406688.1); c.1788-1G>C (NM_001406689.1); c.1656-1G>C (NM_001406691.1, NM_001406697.1, NM_001406695.1 and 1 more transcripts); c.1398-1G>C (NM_001406698.1); and 18 more.
Identifiers: ClinVar variation 49245 (VCV000049245.9), dbSNP rs45443096, ClinGen allele CA018622.
Genomic context (GRCh38, chr16:2,079,275, plus strand): 5'-GGCTGGGCGGGCCTGCGGGAGCTCCACGGGCAAGCTGGGTTTCACGCTCCCTGTCTTCTA[G>C]GTCTCCTGTGGGCGAGTTCCTCCTAGCGGGTGGCAGGACCAAAACCTGGCTGGTTGGGAA-3'